The following is an entry in ClinVar:

NM_005633.4(SOS1):c.3148A>G (p.Met1050Val)

Gene: SOS1 (SOS Ras/Rac guanine nucleotide exchange factor 1; minus strand). Cytogenetic location: 2p22.1.
Variant type: single nucleotide variant.
Coding change: c.3148A>G on transcript NM_005633.4 (MANE Select); coding-DNA position 3148, A replaced by G.
Protein change: p.Met1050Val; replaces methionine 1050 with valine.
Molecular consequence: missense variant.
Genome position (GRCh38, 1-based): chr2:38,995,321, T>C on the plus strand (A>G on the coding strand, the complement: SOS1 is on the minus strand). VCF-style: chr2-38995321-T-C. GRCh37 (hg19) VCF-style: chr2-39222462-T-C.
Other names: c.3127A>G, p.Met1043Val (NM_001382394.1); c.3148A>G, p.Met1050Val (NM_001382395.1); short protein forms M1050V, M1043V.
Identifiers: ClinVar variation 280646 (VCV000280646.9), dbSNP rs886041814, ClinGen allele CA10602858.

ClinVar aggregate classification (germline): Conflicting classifications of pathogenicity. Review status: criteria provided, conflicting classifications (1 of 4 stars). 4 submissions from 4 submitters: Uncertain significance (3); Likely benign (1). Last evaluated 2025-11-06.

Conditions:
Cardiovascular phenotype. Identifiers: MedGen CN230736.
RASopathy. Also called: Noonan spectrum disorder; rasopathies. Identifiers: Orphanet 536391, MedGen C5555857, MONDO:0021060.
Fibromatosis, gingival, 1 (GINGF1). Identifiers: Orphanet 2024, MedGen C4551558, MONDO:0007609, OMIM 135300.
Noonan syndrome 4 (NS4). Also called: SOS1-Related Noonan Syndrome; NOONAN SYNDROME WITH PIGMENTED VILLONODULAR SYNOVITIS. Identifiers: Orphanet 648, MedGen C1853120, MONDO:0012547, OMIM 610733.

Allele frequency attached by ClinVar (database versions not stated): gnomAD exomes below 0.00001; gnomAD 0.00001 and 0.00002; TOPMed 0.00002.

Submissions (4):

Labcorp Genetics (formerly Invitae), Labcorp
Classification: Likely benign for RASopathy. Last evaluated: 2025-11-06. Review status: criteria provided, single submitter. Criteria: Invitae Variant Classification Sherloc (09022015). Collection method: clinical testing. Allele origin: germline.

Ambry Genetics
Classification: Uncertain significance for Cardiovascular phenotype. Last evaluated: 2025-04-30. Review status: criteria provided, single submitter. Criteria: Ambry Variant Classification Scheme 2023. Collection method: clinical testing. Allele origin: germline.
Comment: The p.M1050V variant (also known as c.3148A>G), located in coding exon 20 of the SOS1 gene, results from an A to G substitution at nucleotide position 3148. The methionine at codon 1050 is replaced by valine, an amino acid with highly similar properties. This amino acid position is conserved. In addition, the in silico prediction for this alteration is inconclusive. Based on the available evidence, the clinical significance of this variant remains unclear.

Fulgent Genetics
Classification: Uncertain significance for Fibromatosis, gingival, 1; Noonan syndrome 4. Last evaluated: 2021-07-20. Review status: criteria provided, single submitter. Criteria: ACMG Guidelines, 2015. Collection method: clinical testing. Allele origin: unknown.

GeneDx
Classification: Uncertain significance. Last evaluated: 2019-10-14. Review status: criteria provided, single submitter. Criteria: GeneDx Variant Classification Process June 2021. Collection method: clinical testing. Allele origin: germline. Affected: yes.
Comment: Has not been previously published as pathogenic or benign to our knowledge; In silico analysis, which includes protein predictors and evolutionary conservation, supports that this variant does not alter protein structure/function